The following is an entry in ClinVar:

ClinVar aggregate classification (germline): Uncertain significance (1 of 4 stars; one submission).

Conditions:
Severe combined immunodeficiency due to DNA-PKcs deficiency. Also called: Immunodeficiency 26 with or without neurologic abnormalities; IMMUNODEFICIENCY 26 WITH NEUROLOGIC ABNORMALITIES. Identifiers: Orphanet 317425, MedGen C4014833, MONDO:0014423, OMIM 615966.

Submission:

Labcorp Genetics (formerly Invitae), Labcorp
Classification: Uncertain significance for Severe combined immunodeficiency due to DNA-PKcs deficiency. Last evaluated: 2022-11-01. Review status: criteria provided, single submitter. Criteria: Invitae Variant Classification Sherloc (09022015). Collection method: clinical testing. Allele origin: germline.
Comment: This variant, c.3644_3646del, results in the deletion of 1 amino acid(s) of the PRKDC protein (p.Glu1215del), but otherwise preserves the integrity of the reading frame. In summary, the available evidence is currently insufficient to determine the role of this variant in disease. Therefore, it has been classified as a Variant of Uncertain Significance. Experimental studies and prediction algorithms are not available or were not evaluated, and the functional significance of this variant is currently unknown. This variant has not been reported in the literature in individuals affected with PRKDC-related conditions. This variant is present in population databases (rs755934491, gnomAD 0.009%).

NM_006904.7(PRKDC):c.3641AAG[1] (p.Glu1215del)

Gene: PRKDC (protein kinase, DNA-activated, catalytic subunit; minus strand). Cytogenetic location: 8q11.21.
Variant type: Microsatellite.
Coding change: c.3641AAG[1] on transcript NM_006904.7 (MANE Select); one copy of the 3-base unit AAG starting at c.3641; the reference has two copies in a row; one copy, 3 bases deleted.
Protein change: p.Glu1215del; deletes glutamic acid 1215.
Molecular consequence: inframe deletion.
Genome position (GRCh38, 1-based): chr8:47,893,340-47,893,342, CTT deleted on the plus strand (AAG on the coding strand, the reverse complement: PRKDC is on the minus strand); deleting any 3 consecutive bases within chr8:47,893,340-47,893,346 gives the same sequence; the position shown is the placement nearest the transcript's 3' end. VCF-style (leftmost placement, unchanged base first): chr8-47893339-CCTT-C. GRCh37 (hg19) VCF-style: chr8-48805899-CCTT-C.
Other names: c.3641AAG[1], p.Glu1215del (NM_001081640.2); short protein forms E1215del.
Identifiers: ClinVar variation 1468483 (VCV001468483.6), dbSNP rs755934491, ClinGen allele CA4741121.
Genomic context (GRCh38, chr8:47,893,339, plus strand): 5'-AGGATGCCCGAGGGCTGGCCACAGCCACCCCCCTCAAAGGTGTTGATGAGAAAAGAGACA[CCTT>C]CTTCCTTGAGAACATCTTTCAGCCACAAATTAGGGGATCTGTTGCCTTTAAAAAGAAACA-3'